The following is an entry in ClinVar:

Conditions:
Long QT syndrome 5 (LQT5). Identifiers: Orphanet 101016, Orphanet 768, MedGen C1867904, MONDO:0013372, OMIM 613695.

Submission:

Roden Lab, Vanderbilt University Medical Center
No classification provided (evidence only). Condition: Long QT syndrome 5. Review status: no classification provided. Collection method: in vitro. Allele origin: not applicable. Functional consequence: Effect on ion channel function.
ClinVar note: "not provided" was previously submitted as the classification for the variant. However, the classification appeared to be based only on an observation of functional data so it was converted to no classification on 2025-07-30.

NM_000219.6(KCNE1):c.148G>T (p.Val50Leu)

Gene: KCNE1 (potassium voltage-gated channel subfamily E regulatory subunit 1; minus strand). Cytogenetic location: 21q22.12.
Variant type: single nucleotide variant.
Coding change: c.148G>T on transcript NM_000219.6 (MANE Select); coding-DNA position 148, G replaced by T.
Protein change: p.Val50Leu; replaces valine 50 with leucine.
Molecular consequence: missense variant.
Genome position (GRCh38, 1-based): chr21:34,449,487, C>A on the plus strand (G>T on the coding strand, the complement: KCNE1 is on the minus strand). VCF-style: chr21-34449487-C-A. GRCh37 (hg19) VCF-style: chr21-35821785-C-A.
Other names: c.148G>T, p.Val50Leu (NM_001127668.4, NM_001127669.4, NM_001127670.4 and 4 more transcripts); short protein forms V50L.
Identifiers: ClinVar variation 3374172 (VCV003374172.2).